The following is an entry in ClinVar:

NM_005228.5(EGFR):c.378T>C (p.Asp126=)

Gene: EGFR (epidermal growth factor receptor; plus strand). Cytogenetic location: 7p11.2.
Variant type: single nucleotide variant.
Coding change: c.378T>C on transcript NM_005228.5 (MANE Select); coding-DNA position 378, T replaced by C.
Protein change: p.Asp126=; no amino-acid change (aspartic acid 126 retained).
Molecular consequence: synonymous variant. On other transcripts: intron variant (1).
Genome position (GRCh38, 1-based): chr7:55,143,442, T>C. VCF-style: chr7-55143442-T-C. GRCh37 (hg19) VCF-style: chr7-55211135-T-C.
Other names: c.378T>C, p.Asp126= (NM_001346897.2, NM_001346898.2, NM_001346899.2 and 3 more transcripts); c.219T>C, p.Asp73= (NM_001346900.2); c.89-12388T>C (NM_001346941.2); c.378T>C (NM_005228.3).
Identifiers: ClinVar variation 1140730 (VCV001140730.14), dbSNP rs1794581366, ClinGen allele CA454961832.

ClinVar aggregate classification (germline): Likely benign. Review status: criteria provided, multiple submitters, no conflicts (2 of 4 stars). 3 submissions from 3 submitters: Likely benign (3). Last evaluated 2026-03-01.

Conditions:
EGFR-related lung cancer (EGFR). Identifiers: MedGen CN130014.
Hereditary cancer-predisposing syndrome. Also called: Tumor predisposition; Hereditary neoplastic syndrome; Hereditary Cancer Syndrome; Neoplastic Syndromes, Hereditary. Identifiers: Orphanet 140162, MedGen C0027672, MeSH D009386, MONDO:0015356.

Allele frequency attached by ClinVar (database versions not stated): TOPMed below 0.00001.
gnomAD v4.1: 3 of 1,614,224 alleles (0.00019%); highest among the groups gnomAD compares: Non-Finnish European, 0.00025%; no homozygotes.

Submissions (3):

CeGaT Center for Human Genetics Tuebingen
Classification: Likely benign. Last evaluated: 2026-03-01. Review status: criteria provided, single submitter. Criteria: CeGaT Center For Human Genetics Tuebingen Variant Classification Criteria Version 2. Collection method: clinical testing. Allele origin: germline. Affected: yes. Observed: 1 variant allele.
Comment: EGFR: BP4, BP7

Ambry Genetics
Classification: Likely benign for Hereditary cancer-predisposing syndrome. Last evaluated: 2025-09-20. Review status: criteria provided, single submitter. Criteria: Ambry Variant Classification Scheme 2023. Collection method: clinical testing. Allele origin: germline.

Labcorp Genetics (formerly Invitae), Labcorp
Classification: Likely benign for EGFR-related lung cancer. Last evaluated: 2023-08-18. Review status: criteria provided, single submitter. Criteria: Invitae Variant Classification Sherloc (09022015). Collection method: clinical testing. Allele origin: germline.